The following is an entry in ClinVar:

NM_003331.5(TYK2):c.202C>G (p.Pro68Ala)

Gene: TYK2 (tyrosine kinase 2; minus strand). Cytogenetic location: 19p13.2.
Variant type: single nucleotide variant.
Coding change: c.202C>G on transcript NM_003331.5 (MANE Select); coding-DNA position 202, C replaced by G.
Protein change: p.Pro68Ala; replaces proline 68 with alanine.
Molecular consequence: missense variant.
Genome position (GRCh38, 1-based): chr19:10,368,410, G>C on the plus strand (C>G on the coding strand, the complement: TYK2 is on the minus strand). VCF-style: chr19-10368410-G-C. GRCh37 (hg19) VCF-style: chr19-10479086-G-C.
Other names: c.202C>G, p.Pro68Ala (NM_001385197.1, NM_001385198.1, NM_001385199.1 and 8 more transcripts); short protein forms P68A.
Identifiers: ClinVar variation 1490239 (VCV001490239.6), dbSNP rs1045396233, ClinGen allele CA404020580.

ClinVar aggregate classification (germline): Uncertain significance (1 of 4 stars; one submission).

Conditions:
Immunodeficiency 35 (IMD35). Also called: Susceptibility to infection due to TYK2 deficiency; TYK2 DEFICIENCY; HIES WITH ATYPICAL MYCOBACTERIOSIS, AUTOSOMAL RECESSIVE; HYPER-IgE SYNDROME WITH ATYPICAL MYCOBACTERIOSIS, AUTOSOMAL RECESSIVE. Identifiers: Orphanet 331226, MedGen C1969086, MONDO:0012682, OMIM 611521.

Submission:

Labcorp Genetics (formerly Invitae), Labcorp
Classification: Uncertain significance for Immunodeficiency 35. Last evaluated: 2025-08-07. Review status: criteria provided, single submitter. Criteria: Invitae Variant Classification Sherloc (09022015). Collection method: clinical testing. Allele origin: germline.
Comment: This sequence change replaces proline with alanine at codon 68 of the TYK2 protein (p.Pro68Ala). The proline residue is highly conserved and there is a small physicochemical difference between proline and alanine. This variant is not present in population databases (gnomAD no frequency). This variant has not been reported in the literature in individuals affected with TYK2-related conditions. ClinVar contains an entry for this variant (Variation ID: 1490239). An algorithm developed to predict the effect of missense changes on protein structure and function (PolyPhen-2) suggests that this variant is likely to be disruptive. In summary, the available evidence is currently insufficient to determine the role of this variant in disease. Therefore, it has been classified as a Variant of Uncertain Significance.